The following is an entry in ClinVar:

ClinVar aggregate classification (germline): Uncertain significance (1 of 4 stars; one submission).

Conditions:
Hereditary sensory and autonomic neuropathy type 7. Also called: Neuropathy, hereditary sensory and autonomic, type VII; HSAN VII. Identifiers: Orphanet 391397, MedGen C3809882, MONDO:0014244, OMIM 615548.
Familial episodic pain syndrome with predominantly lower limb involvement. Also called: Episodic pain syndrome, familial, 3. Identifiers: Orphanet 391384, Orphanet 391392, MedGen C3809899, MONDO:0014247, OMIM 615552.

Submission:

Labcorp Genetics (formerly Invitae), Labcorp
Classification: Uncertain significance for Familial episodic pain syndrome with predominantly lower limb involvement; Hereditary sensory and autonomic neuropathy type 7. Last evaluated: 2021-08-26. Review status: criteria provided, single submitter. Criteria: Invitae Variant Classification Sherloc (09022015). Collection method: clinical testing. Allele origin: germline.
Comment: This sequence change replaces valine with alanine at codon 656 of the SCN11A protein (p.Val656Ala). The valine residue is highly conserved and there is a small physicochemical difference between valine and alanine. This variant is not present in population databases (ExAC no frequency). This variant has not been reported in the literature in individuals affected with SCN11A-related conditions. Algorithms developed to predict the effect of missense changes on protein structure and function output the following: SIFT: "Deleterious"; PolyPhen-2: "Benign"; Align-GVGD: "Class C25". The alanine amino acid residue is found in multiple mammalian species, which suggests that this missense change does not adversely affect protein function. In summary, the available evidence is currently insufficient to determine the role of this variant in disease. Therefore, it has been classified as a Variant of Uncertain Significance.

NM_001349253.2(SCN11A):c.1967T>C (p.Val656Ala)

Gene: SCN11A (sodium voltage-gated channel alpha subunit 11; minus strand). Cytogenetic location: 3p22.2.
Variant type: single nucleotide variant.
Coding change: c.1967T>C on transcript NM_001349253.2 (MANE Select); coding-DNA position 1967, T replaced by C.
Protein change: p.Val656Ala; replaces valine 656 with alanine.
Molecular consequence: missense variant.
Genome position (GRCh38, 1-based): chr3:38,899,949, A>G on the plus strand (T>C on the coding strand, the complement: SCN11A is on the minus strand). VCF-style: chr3-38899949-A-G. GRCh37 (hg19) VCF-style: chr3-38941440-A-G.
Other names: c.1967T>C, p.Val656Ala (NM_014139.3); short protein forms V656A.
Identifiers: ClinVar variation 1501142 (VCV001501142.6), dbSNP rs2126120947, ClinGen allele CA352161415.